The following is an entry in ClinVar:

NM_000245.4(MET):c.2599C>A (p.Pro867Thr)

Gene: MET (MET proto-oncogene, receptor tyrosine kinase; plus strand). Cytogenetic location: 7q31.2.
Variant type: single nucleotide variant.
Coding change: c.2599C>A on transcript NM_000245.4 (MANE Select); coding-DNA position 2599, C replaced by A.
Protein change: p.Pro867Thr; replaces proline 867 with threonine.
Molecular consequence: missense variant.
Genome position (GRCh38, 1-based): chr7:116,769,660, C>A. VCF-style: chr7-116769660-C-A. GRCh37 (hg19) VCF-style: chr7-116409714-C-A.
Other names: c.2653C>A, p.Pro885Thr (NM_001127500.3); c.2599C>A, p.Pro867Thr (NM_001324401.3); c.1309C>A, p.Pro437Thr (NM_001324402.2); short protein forms P437T, P867T, P885T.
Identifiers: ClinVar variation 3232945 (VCV003232945.1), dbSNP rs2116982679, ClinGen allele CA368985325.

ClinVar aggregate classification (germline): Uncertain significance (1 of 4 stars; one submission).

Conditions:
Hereditary cancer-predisposing syndrome. Also called: Neoplastic Syndromes, Hereditary; Tumor predisposition; Hereditary neoplastic syndrome; Hereditary Cancer Syndrome. Identifiers: Orphanet 140162, MedGen C0027672, MeSH D009386, MONDO:0015356.

Submission:

Ambry Genetics
Classification: Uncertain significance for Hereditary cancer-predisposing syndrome. Last evaluated: 2024-03-06. Review status: criteria provided, single submitter. Criteria: Ambry Variant Classification Scheme 2023. Collection method: clinical testing. Allele origin: germline.
Comment: The p.P885T variant (also known as c.2653C>A), located in coding exon 11 of the MET gene, results from a C to A substitution at nucleotide position 2653. The proline at codon 885 is replaced by threonine, an amino acid with highly similar properties. This amino acid position is conserved. In addition, this alteration is predicted to be tolerated by in silico analysis. Based on the available evidence, the clinical significance of this alteration remains unclear.